The following is an entry in ClinVar:

NM_015080.4(NRXN2):c.4142G>A (p.Arg1381His)

Gene: NRXN2 (neurexin 2; minus strand). Cytogenetic location: 11q13.1.
Variant type: single nucleotide variant.
Coding change: c.4142G>A on transcript NM_015080.4 (MANE Select); coding-DNA position 4142, G replaced by A.
Protein change: p.Arg1381His; replaces arginine 1381 with histidine.
Molecular consequence: missense variant.
Genome position (GRCh38, 1-based): chr11:64,622,784, C>T on the plus strand (G>A on the coding strand, the complement: NRXN2 is on the minus strand). VCF-style: chr11-64622784-C-T. GRCh37 (hg19) VCF-style: chr11-64390256-C-T.
Other names: c.4142G>A, p.Arg1381His (NM_001376262.1); c.4121G>A, p.Arg1374His (NM_001376263.1); c.4097G>A, p.Arg1366His (NM_001376265.1); c.4118G>A, p.Arg1373His (NM_001376266.1); c.4031G>A, p.Arg1344His (NM_001376267.1); c.767G>A, p.Arg256His (NM_001400681.1); c.677G>A, p.Arg226His (NM_001400682.1); c.3932G>A, p.Arg1311His (NM_138732.3); and 1 more; short protein forms R1311H, R1344H, R1366H, R1373H, R1374H, R1381H, R226H, R256H.
Identifiers: ClinVar variation 1703152 (VCV001703152.3), dbSNP rs1191965242, ClinGen allele CA381158820.
Genomic context (GRCh38, chr11:64,622,784, plus strand): 5'-CTAATCCACCAGCCAGAGTGGGGCCTCACCTGGGTGGTGCTGTCCCTCAGTGTGGGGGAG[C>T]GGCCCCGGCGCGTGGTGGTAGTGGCCATGGTGGTGGTAGTCTCCATGATGGTGGTGGCCA-3'
Protein context (NP_055895.1, residues 1371-1391): TMATTTTRRG[Arg1381His]SPTLRDSTTQ

ClinVar aggregate classification (germline): Uncertain significance (1 of 4 stars; one submission).

Allele frequency attached by ClinVar (database versions not stated): gnomAD exomes below 0.00001; TOPMed 0.00001.
gnomAD v4.1: 5 of 1,611,126 alleles (0.00031%); highest among the groups gnomAD compares: Non-Finnish European, 0.00034%; no homozygotes.

Submission:

Greenwood Genetic Center Diagnostic Laboratories, Greenwood Genetic Center
Classification: Uncertain significance. Last evaluated: 2022-04-20. Review status: criteria provided, single submitter. Criteria: ACMG Guidelines, 2015. Collection method: clinical testing. Allele origin: germline. Affected: yes.
Comment: Gene of Uncertain Significance